The following is an entry in ClinVar:

NM_012092.4(ICOS):c.*33T>C

Gene: ICOS (inducible T cell costimulator; plus strand). Cytogenetic location: 2q33.2.
Variant type: single nucleotide variant.
Coding change: c.*33T>C on transcript NM_012092.4 (MANE Select); 33 bases downstream of the stop codon, T replaced by C.
Molecular consequence: 3 prime UTR variant.
Genome position (GRCh38, 1-based): chr2:203,959,632, T>C. VCF-style: chr2-203959632-T-C. GRCh37 (hg19) VCF-style: chr2-204824355-T-C.
Identifiers: ClinVar variation 333740 (VCV000333740.7), dbSNP rs73058105, ClinGen allele CA2067363.

ClinVar aggregate classification (germline): Benign. Review status: criteria provided, multiple submitters, no conflicts (2 of 4 stars). 3 submissions from 3 submitters: Benign (3). Last evaluated 2018-11-12.

Conditions:
Immunodeficiency, common variable, 1. Also called: ANTIBODY DEFICIENCY DUE TO ICOS DEFECT. Identifiers: Orphanet 1572, Orphanet 695183, MedGen C3149378, MONDO:0011864, OMIM 607594.

Allele frequency attached by ClinVar (database versions not stated): gnomAD exomes 0.01005; gnomAD 0.03515 and 0.03775; 1000 Genomes Project 30x 0.03670; 1000 Genomes Project 0.03514; TOPMed 0.04015; ExAC 0.01192; ESP Exome Variant Server 0.04021.
gnomAD v4.1: 11,097 of 1,609,200 alleles (0.69%); highest among the groups gnomAD compares: African/African-American, 12%; 544 homozygotes.

Submissions (3):

GeneDx
Classification: Benign. Last evaluated: 2018-11-12. Review status: criteria provided, single submitter. Criteria: GeneDx Variant Classification Process June 2021. Collection method: clinical testing. Allele origin: germline. Affected: yes.

Illumina Laboratory Services, Illumina
Classification: Benign for Immunodeficiency, common variable, 1. Last evaluated: 2018-01-13. Review status: criteria provided, single submitter. Criteria: ICSL Variant Classification Criteria 13 December 2019. Collection method: clinical testing. Allele origin: germline.
Comment: This variant was observed in the ICSL laboratory as part of a predisposition screen in an ostensibly healthy population. It had not been previously curated by ICSL or reported in the Human Gene Mutation Database (HGMD: prior to June 1st, 2018), and was therefore a candidate for classification through an automated scoring system. Utilizing variant allele frequency, disease prevalence and penetrance estimates, and inheritance mode, an automated score was calculated to assess if this variant is too frequent to cause the disease. Based on the score and internal cut-off values, a variant classified as benign is not then subjected to further curation. The score for this variant resulted in a classification of benign for this disease.

Breakthrough Genomics
Classification: Benign. Review status: criteria provided, single submitter. Criteria: ACMG Guidelines, 2015. Collection method: not provided. Allele origin: germline. Inheritance: Autosomal recessive inheritance. Affected: yes.